The following is an entry in ClinVar:

NM_001276270.2(MBD4):c.1280A>C (p.Lys427Thr)

Gene: MBD4 (methyl-CpG binding domain 4, DNA glycosylase; minus strand). Cytogenetic location: 3q21.3.
Variant type: single nucleotide variant.
Coding change: c.1280A>C on transcript NM_001276270.2 (MANE Select); coding-DNA position 1280, A replaced by C.
Protein change: p.Lys427Thr; replaces lysine 427 with threonine.
Molecular consequence: missense variant.
Genome position (GRCh38, 1-based): chr3:129,433,963, T>G on the plus strand (A>C on the coding strand, the complement: MBD4 is on the minus strand). VCF-style: chr3-129433963-T-G. GRCh37 (hg19) VCF-style: chr3-129152806-T-G.
Other names: c.1298A>C, p.Lys433Thr (NM_001276271.2, NM_001276272.2, NM_003925.3); c.344A>C, p.Lys115Thr (NM_001276273.2); short protein forms K115T, K433T, K427T.
Identifiers: ClinVar variation 4624407 (VCV004624407.1).
Genomic context (GRCh38, chr3:129,433,963, plus strand): 5'-AAAAGTGTTTCTTGAACGAGATTAAAAGGTGACCGAGGAGGTGTCCATTTCTTAAAGGCT[T>G]TACGTCGTGGGGGGCTAAGAGCTAAACAAACATAGTGCATCAGAATTGAAAACCCAAAAT-3'
Protein context (NP_001263199.1, residues 417-437): NKEALSPPRR[Lys427Thr]AFKKWTPPRS

ClinVar aggregate classification (germline): Uncertain significance (1 of 4 stars; one submission).

Conditions:
Inborn genetic diseases. Identifiers: MedGen C0950123, MeSH D030342.

Submission:

Ambry Genetics
Classification: Uncertain significance for Inborn genetic diseases. Last evaluated: 2025-10-22. Review status: criteria provided, single submitter. Criteria: Ambry Variant Classification Scheme 2023. Collection method: clinical testing. Allele origin: germline.
Comment: The p.K427T variant (also known as c.1280A>C), located in coding exon 5 of the MBD4 gene, results from an A to C substitution at nucleotide position 1280. The lysine at codon 427 is replaced by threonine, an amino acid with similar properties. This amino acid position is conserved. In addition, this alteration is predicted to be deleterious by in silico analysis. Based on the available evidence, the clinical significance of this variant remains unclear.